The following is an entry in ClinVar:

NM_000263.4(NAGLU):c.1900G>A (p.Glu634Lys)

Gene: NAGLU (N-acetyl-alpha-glucosaminidase; plus strand). Cytogenetic location: 17q21.2.
Variant type: single nucleotide variant.
Coding change: c.1900G>A on transcript NM_000263.4 (MANE Select); coding-DNA position 1900, G replaced by A.
Protein change: p.Glu634Lys; replaces glutamic acid 634 with lysine.
Molecular consequence: missense variant.
Genome position (GRCh38, 1-based): chr17:42,543,906, G>A. VCF-style: chr17-42543906-G-A. GRCh37 (hg19) VCF-style: chr17-40695924-G-A.
Other names: short protein forms E634K.
Identifiers: ClinVar variation 632282 (VCV000632282.23), dbSNP rs147036053, ClinGen allele CA290781124.
Genomic context (GRCh38, chr17:42,543,906, plus strand): 5'-AGCCGCTTCTTGCTGGGCAGCTGGCTAGAGCAGGCCCGAGCAGCGGCAGTCAGTGAGGCC[G>A]AGGCCGATTTCTACGAGCAGAACAGCCGCTACCAGCTGACCTTGTGGGGGCCAGAAGGCA-3'
Protein context (NP_000254.2, residues 624-644): QARAAAVSEA[Glu634Lys]ADFYEQNSRY

ClinVar aggregate classification (germline): Pathogenic/Likely pathogenic. Review status: criteria provided, multiple submitters, no conflicts (2 of 4 stars). 8 submissions from 8 submitters: Pathogenic (4); Likely pathogenic (3). 1 of the submissions does not count toward it. Last evaluated 2026-01-25.

Conditions:
Mucopolysaccharidosis, MPS-III-B (MPS3B). Also called: MPS III B; MUCOPOLYSACCHARIDOSIS, TYPE IIIB; N-ACETYL-ALPHA-D-GLUCOSAMINIDASE DEFICIENCY; NAGLU DEFICIENCY; SANFILIPPO SYNDROME B; Mucopolysaccharidosis type IIIB (Sanfilippo B). Identifiers: Orphanet 79270, MedGen C0086648, MONDO:0009656, OMIM 252920.
NAGLU-related disorder. Also called: NAGLU-related condition.
Charcot-Marie-Tooth disease axonal type 2V. Also called: CHARCOT-MARIE-TOOTH NEUROPATHY, TYPE 2V; CHARCOT-MARIE-TOOTH DISEASE, AXONAL, AUTOSOMAL DOMINANT, TYPE 2V. Identifiers: Orphanet 447964, MedGen C5569050, MONDO:0014665, OMIM 616491.
Mucopolysaccharidosis. Also called: Mucopolysaccharidoses. Identifiers: Orphanet 79213, MedGen C0026703, MeSH D009083, MONDO:0019249.

Allele frequency attached by ClinVar (database versions not stated): gnomAD exomes 0.00001 and 0.00002; ESP Exome Variant Server 0.00008; gnomAD 0.00004; TOPMed 0.00004.
gnomAD v4.1: 31 of 1,605,834 alleles (0.0019%); highest among the groups gnomAD compares: Non-Finnish European, 0.0024%; no homozygotes.

Submissions (8):

Labcorp Genetics (formerly Invitae), Labcorp
Classification: Pathogenic for Charcot-Marie-Tooth disease axonal type 2V; Mucopolysaccharidosis, MPS-III-B. Last evaluated: 2026-01-25. Review status: criteria provided, single submitter. Criteria: Invitae Variant Classification Sherloc (09022015). Collection method: clinical testing. Allele origin: germline.
Comment: This sequence change replaces glutamic acid, which is acidic and polar, with lysine, which is basic and polar, at codon 634 of the NAGLU protein (p.Glu634Lys). The frequency data for this variant in the population databases is considered unreliable, as metrics indicate poor data quality at this position in the gnomAD database. This missense change has been observed in individual(s) with mucopolysaccharidosis type III (PMID: 20852935, 27590925; internal data). In at least one individual the data is consistent with being in trans (on the opposite chromosome) from a pathogenic variant. It has also been observed to segregate with disease in related individuals. ClinVar contains an entry for this variant (Variation ID: 632282). Invitae Evidence Modeling of protein sequence and biophysical properties (such as structural, functional, and spatial information, amino acid conservation, physicochemical variation, residue mobility, and thermodynamic stability) has been performed for this missense variant. However, the output from this modeling did not meet the statistical confidence thresholds required to predict the impact of this variant on NAGLU protein function. For these reasons, this variant has been classified as Pathogenic.

Centre for Clinical Genetics and Genomic Diagnostics, Zealand University Hospital
Classification: Pathogenic. Last evaluated: 2025-03-18. Review status: criteria provided, single submitter. Criteria: ACMG Guidelines, 2015. Collection method: clinical testing. Allele origin: germline.
Comment: Compound heterozygous

GeneDx
Classification: Likely pathogenic. Last evaluated: 2024-09-16. Review status: criteria provided, single submitter. Criteria: GeneDx Variant Classification Process June 2021. Collection method: clinical testing. Allele origin: germline. Affected: yes.
Comment: Reported with a second NAGLU variant in multiple patients with a diagnosis of MPS IIIB in published literature (PMID: 26907177, 27590925, 20852935, 29661560); Identified in two siblings with diagnoses of MPS IIIB who had biochemical testing that was diagnostic and consistent with the results seen in other patients with pathogenic variants in this gene (PMID: 26907177, 20852935); Published functional studies demonstrate a damaging effect, including decreased enzymatic activity (PMID: 29979746); In silico analysis supports that this missense variant has a deleterious effect on protein structure/function; Not observed at significant frequency in large population cohorts (gnomAD); This variant is associated with the following publications: (PMID: 20852935, 27590925, 26907177, 29661560, 29979746)

Natera, Inc.
Classification: Likely pathogenic for Mucopolysaccharidosis type IIIB. Last evaluated: 2024-08-31. Review status: criteria provided, single submitter. Criteria: Natera Variant Classification Schema (03/2026). Collection method: clinical testing. Allele origin: germline.
Comment: The c.1900G>A variant in NAGLU is a missense variant predicted to cause substitution of glutamic acid to lysine at amino acid 634. This variant is rare in the general population with a frequency below the threshold expected for the associated phenotype(s). This variant has been observed in one or more individuals affected with the associated recessive disease, as either homozygous or compound heterozygous with a second variant (PMID: 20852935, 29661560). Additionally, this variant has been observed to segregate in affected family members (PMID: 20852935). Functional studies show that this variant may disrupt protein function (PMID: 29979746). Computational prediction algorithms indicate this variant is likely to affect gene or protein function. Given the available evidence, this variant is classified as Likely Pathogenic.

PreventionGenetics, part of Exact Sciences
Classification: Pathogenic for NAGLU-related condition. Last evaluated: 2023-07-28. Review status: criteria provided, single submitter. Criteria: ACMG Guidelines, 2015. Collection method: clinical testing. Allele origin: germline.
Comment: The NAGLU c.1900G>A variant is predicted to result in the amino acid substitution p.Glu634Lys. This variant was reported in the compound heterozygous state in individuals with Sanfilippo syndrome B (MPS IIIB) (Table 1, Valstar et al 2010. PubMed ID: 20852935; Table 1, Clark et al. 2018. PubMed ID: 29979746; Table 1, Meijer et al. 2016. PubMed ID: 26907177). Of note, this variant has been reported to be associated attenuated/slow progressing MPS IIIB (Wagner et al. 2019. PubMed ID: 31536183; Valstar et al 2010. PubMed ID: 20852935).This variant is reported in 0.0033% of alleles in individuals of European (Non-Finnish) descent in gnomAD. In ClinVar, this variant has conflicting interpretations ranging from uncertain (1) to pathogenic (2). Taken together we interpret this variant as pathogenic.

Women's Health and Genetics/Laboratory Corporation of America, LabCorp
Classification: Pathogenic for Mucopolysaccharidosis, MPS-III-B. Last evaluated: 2020-05-22. Review status: criteria provided, single submitter. Criteria: LabCorp Variant Classification Summary - May 2015. Collection method: clinical testing. Allele origin: germline.
Comment: Variant summary: NAGLU c.1900G>A (p.Glu634Lys) results in a conservative amino acid change located in the Alpha-N-acetylglucosaminidase, C-terminal domain (IPR024732) of the encoded protein sequence. Four of five in-silico tools predict a damaging effect of the variant on protein function. The variant allele was found at a frequency of 1.3e-05 in 232618 control chromosomes. c.1900G>A has been reported in the literature in individuals affected with Mucopolysaccharidosis Type IIIB (Sanfilippo Syndrome B, examples: Valstar_2010, Truxal_2016, Whitley_2018). These data indicate that the variant is likely to be associated with disease. At least one publication reports experimental evidence evaluating an impact on protein function. The most pronounced variant effect results in 10%-<30% of normal activity (Clark_2018). Three ClinVar submitters (evaluation after 2014) cited the variant as pathogenic (n=2) and uncertain significance (n=1). Based on the evidence outlined above, the variant was classified as pathogenic.

Juno Genomics, Hangzhou Juno Genomics, Inc
Classification: Likely pathogenic for Mucopolysaccharidosis, MPS-III-B. Review status: criteria provided, single submitter. Criteria: ACMG Guidelines, 2015. Collection method: clinical testing. Allele origin: germline. Affected: yes.
Comment: Absent from controls (or at extremely low frequency if recessive) in Genome Aggregation Database, Exome Sequencing Project, 1000 Genomes Project, or Exome Aggregation Consortium.;Multiple lines of computational evidence support a deleterious effect on the gene or gene product (conservation, evolutionary, splicing impact, etc).;For recessive disorders, detected in trans with a pathogenic variant.;Patient's phenotype or family history is highly specific for a disease with a single genetic etiology.

GeneReviews
No classification provided. Condition: Mucopolysaccharidosis. Review status: no classification provided. Collection method: literature only. Allele origin: germline. Not counted in ClinVar's aggregate classification.

Literature cited by the submitters: PubMed 20852935 (cited by 4 submitters); PubMed 27590925 (cited by Labcorp Genetics (formerly Invitae), Labcorp and Women's Health and Genetics/Laboratory Corporation of America, LabCorp); PubMed 29661560 (cited by Natera, Inc. and Women's Health and Genetics/Laboratory Corporation of America, LabCorp); PubMed 29979746 (cited by Natera, Inc. and Women's Health and Genetics/Laboratory Corporation of America, LabCorp); PubMed 25520920 (cited by Women's Health and Genetics/Laboratory Corporation of America, LabCorp); PubMed 23667853 (cited by Women's Health and Genetics/Laboratory Corporation of America, LabCorp); PubMed 26907177 (cited by Women's Health and Genetics/Laboratory Corporation of America, LabCorp); PubMed 31413257 (cited by Women's Health and Genetics/Laboratory Corporation of America, LabCorp); PubMed 31536183 (cited by GeneReviews).